The following is an entry in ClinVar:

NM_003659.4(AGPS):c.449T>G (p.Leu150Ter)

Gene: AGPS (alkylglycerone phosphate synthase; plus strand). Cytogenetic location: 2q31.2.
Variant type: single nucleotide variant.
Coding change: c.449T>G on transcript NM_003659.4 (MANE Select); coding-DNA position 449, T replaced by G.
Protein change: p.Leu150Ter; replaces leucine 150 with a stop codon.
Molecular consequence: nonsense.
Genome position (GRCh38, 1-based): chr2:177,436,771, T>G. VCF-style: chr2-177436771-T-G. GRCh37 (hg19) VCF-style: chr2-178301499-T-G.
Other names: short protein forms L150*.
Identifiers: ClinVar variation 3359693 (VCV003359693.1).

ClinVar aggregate classification (germline): Uncertain significance (1 of 4 stars; one submission).

gnomAD v4.1: 1 of 1,611,484 alleles (0.000062%); highest among the groups gnomAD compares: Admixed American, 0.0017%; no homozygotes.

Submission:

GeneDx
Classification: Uncertain significance. Last evaluated: 2023-06-13. Review status: criteria provided, single submitter. Criteria: GeneDx Variant Classification Process June 2021. Collection method: clinical testing. Allele origin: germline. Affected: yes.
Comment: Not observed at significant frequency in large population cohorts (gnomAD); Nonsense variant predicted to result in protein truncation or nonsense mediated decay in a gene or region of a gene for which loss of function is not a well-established mechanism of disease; Has not been previously published as pathogenic or benign to our knowledge